The following is an entry in ClinVar:

NM_012414.4(RAB3GAP2):c.2170C>G (p.Leu724Val)

Gene: RAB3GAP2 (RAB3 GTPase activating non-catalytic protein subunit 2; minus strand). Cytogenetic location: 1q41.
Variant type: single nucleotide variant.
Coding change: c.2170C>G on transcript NM_012414.4 (MANE Select); coding-DNA position 2170, C replaced by G.
Protein change: p.Leu724Val; replaces leucine 724 with valine.
Molecular consequence: missense variant.
Genome position (GRCh38, 1-based): chr1:220,182,760, G>C on the plus strand (C>G on the coding strand, the complement: RAB3GAP2 is on the minus strand). VCF-style: chr1-220182760-G-C. GRCh37 (hg19) VCF-style: chr1-220356102-G-C.
Other names: c.2170C>G (NM_012414.3); short protein forms L724V.
Identifiers: ClinVar variation 2219589 (VCV002219589.7), dbSNP rs754686734, ClinGen allele CA1402496.
Genomic context (GRCh38, chr1:220,182,760, plus strand): 5'-GTGTATTATTTTACCTACCTAAAGCCACATATTCCTCTTCACTTATTTTCTTTATGTTGA[G>C]CACATCCTTTTCATATTCTAAATATTCCAAGAATGTTTTTACAGGCAACACACCATCTTT-3'
Protein context (NP_036546.2, residues 714-734): LEYLEYEKDV[Leu724Val]NIKKISEEEY

ClinVar aggregate classification (germline): Uncertain significance. Review status: criteria provided, multiple submitters, no conflicts (2 of 4 stars). 2 submissions from 2 submitters: Uncertain significance (2). Last evaluated 2025-09-25.

Conditions:
Warburg micro syndrome 2 (WARBM2). Also called: MICRO SYNDROME 2. Identifiers: Orphanet 2510, MedGen C3280214, MONDO:0013641, OMIM 614225.
Martsolf syndrome (MARTS). Also called: Congenital cataract with intellectual disability and hypogonadotropic hypogonadism syndrome. Identifiers: Orphanet 1387, MedGen C0796037, MONDO:0023910.
Inborn genetic diseases. Identifiers: MedGen C0950123, MeSH D030342.

Allele frequency attached by ClinVar (database versions not stated): gnomAD 0.00002; TOPMed 0.00002; ExAC 0.00003.
gnomAD v4.1: 130 of 1,611,188 alleles (0.0081%); highest among the groups gnomAD compares: Non-Finnish European, 0.011%; no homozygotes.

Submissions (2):

Ambry Genetics
Classification: Uncertain significance for Inborn genetic diseases. Last evaluated: 2025-09-25. Review status: criteria provided, single submitter. Criteria: Ambry Variant Classification Scheme 2023. Collection method: clinical testing. Allele origin: germline.

Labcorp Genetics (formerly Invitae), Labcorp
Classification: Uncertain significance for Martsolf syndrome; Warburg micro syndrome 2. Last evaluated: 2022-06-26. Review status: criteria provided, single submitter. Criteria: Invitae Variant Classification Sherloc (09022015). Collection method: clinical testing. Allele origin: germline.
Comment: This variant is present in population databases (rs754686734, gnomAD 0.004%). In summary, the available evidence is currently insufficient to determine the role of this variant in disease. Therefore, it has been classified as a Variant of Uncertain Significance. Algorithms developed to predict the effect of missense changes on protein structure and function output the following: SIFT: "Tolerated"; PolyPhen-2: "Benign"; Align-GVGD: "Class C0". The valine amino acid residue is found in multiple mammalian species, which suggests that this missense change does not adversely affect protein function. This variant has not been reported in the literature in individuals affected with RAB3GAP2-related conditions. This sequence change replaces leucine, which is neutral and non-polar, with valine, which is neutral and non-polar, at codon 724 of the RAB3GAP2 protein (p.Leu724Val).